The following is an entry in ClinVar:

ClinVar aggregate classification (germline): Likely pathogenic (1 of 4 stars; one submission).

Conditions:
Hereditary cancer-predisposing syndrome. Also called: Neoplastic Syndromes, Hereditary; Tumor predisposition; Hereditary Cancer Syndrome; Hereditary neoplastic syndrome. Identifiers: Orphanet 140162, MedGen C0027672, MeSH D009386, MONDO:0015356.

Submission:

Ambry Genetics
Classification: Likely pathogenic for Hereditary cancer-predisposing syndrome. Last evaluated: 2019-11-13. Review status: criteria provided, single submitter. Criteria: Ambry Variant Classification Scheme 2023. Collection method: clinical testing. Allele origin: germline.
Comment: The c.3834_3835insAlu likely pathogenic variant results from an Alu element insertion within coding exon 10 of the BRCA2 gene. Alu element insertions have been shown to contribute to breast cancer by either disrupting a coding region or a splice signal in the BRCA genes (Belancio VP et al. Semin Cancer Biol. 2010 Aug;20(4):200-10; Deininger P. Genome Biol. 2011 Dec 28;12(12):236). Seven Alu element insertions have been reported in coding exon 10 of the BRCA2 gene (Qian Y et al. Cancer Genet. 2017 Oct;216-217:159-169). Based on the majority of available evidence to date, this variant is likely to be pathogenic.

NM_000059.3:c.3834_3835insALU

Gene: BRCA2 (BRCA2 DNA repair associated; plus strand).
Variant type: Insertion.
Identifiers: ClinVar variation 1735368 (VCV001735368.2).